The following is an entry in ClinVar:

ClinVar aggregate classification (germline): Conflicting classifications of pathogenicity. Review status: criteria provided, conflicting classifications (1 of 4 stars). 3 submissions from 3 submitters: Uncertain significance (1); Likely benign (1). 1 of the submissions does not count toward it. Last evaluated 2024-01-11.

Conditions:
Aromatase deficiency. Also called: Increased aromatase activity; PSEUDOHERMAPHRODITISM, FEMALE, DUE TO PLACENTAL AROMATASE DEFICIENCY. Identifiers: Orphanet 91, MedGen C1960539, MONDO:0013301, OMIM 613546.

Allele frequency attached by ClinVar (database versions not stated): gnomAD exomes 0.00001 and 0.00004; gnomAD 0.00002; ExAC 0.00004; TOPMed 0.00004.
gnomAD v4.1: 15 of 1,607,550 alleles (0.00093%); highest among the groups gnomAD compares: Admixed American, 0.02%; no homozygotes.

Submissions (3):

Labcorp Genetics (formerly Invitae), Labcorp
Classification: Likely benign. Last evaluated: 2024-01-11. Review status: criteria provided, single submitter. Criteria: Invitae Variant Classification Sherloc (09022015). Collection method: clinical testing. Allele origin: germline.

GeneDx
Classification: Uncertain significance. Last evaluated: 2022-03-07. Review status: criteria provided, single submitter. Criteria: GeneDx Variant Classification Process June 2021. Collection method: clinical testing. Allele origin: germline. Affected: yes.
Comment: In silico analysis supports that this variant does not alter splicing; Has not been previously published as pathogenic or benign to our knowledge

Natera, Inc.
Classification: Uncertain significance for Aromatase deficiency. Last evaluated: 2020-01-24. Review status: no assertion criteria provided. Collection method: clinical testing. Allele origin: germline. Not counted in ClinVar's aggregate classification.

NM_000103.4(CYP19A1):c.1113C>T (p.Asp371=)

Genes: MIR4713HG (MIR4713 host gene; plus strand), CYP19A1 (cytochrome P450 family 19 subfamily A member 1; minus strand), PIRC66 (piwi-interacting RNA cluster 66; plus strand). Cytogenetic location: 15q21.2.
Variant type: single nucleotide variant.
Coding change: c.1113C>T on transcript NM_000103.4 (MANE Select); coding-DNA position 1113, C replaced by T.
Protein change: p.Asp371=; no amino-acid change (aspartic acid 371 retained).
Molecular consequence: synonymous variant.
Genome position (GRCh38, 1-based): chr15:51,212,470, G>A on the plus strand (C>T on the coding strand, the complement: CYP19A1 is on the minus strand). VCF-style: chr15-51212470-G-A. GRCh37 (hg19) VCF-style: chr15-51504667-G-A.
Other names: c.1113C>T, p.Asp371= (NM_001347248.1, NM_001347249.2, NM_001347250.2 and 7 more transcripts).
Identifiers: ClinVar variation 738287 (VCV000738287.11), dbSNP rs774007712, ClinGen allele CA7559863.